The following is an entry in ClinVar:

NM_001379291.1(BRD4):c.3673G>A (p.Glu1225Lys)

Gene: BRD4 (bromodomain containing 4; minus strand). Cytogenetic location: 19p13.12.
Variant type: single nucleotide variant.
Coding change: c.3673G>A on transcript NM_001379291.1 (MANE Select); coding-DNA position 3673, G replaced by A.
Protein change: p.Glu1225Lys; replaces glutamic acid 1225 with lysine.
Molecular consequence: missense variant.
Genome position (GRCh38, 1-based): chr19:15,239,168, C>T on the plus strand (G>A on the coding strand, the complement: BRD4 is on the minus strand). VCF-style: chr19-15239168-C-T. GRCh37 (hg19) VCF-style: chr19-15349979-C-T.
Other names: c.3673G>A, p.Glu1225Lys (NM_058243.3); short protein forms E1225K.
Identifiers: ClinVar variation 2788485 (VCV002788485.3), dbSNP rs745807590, ClinGen allele CA9264565.

ClinVar aggregate classification (germline): Uncertain significance (1 of 4 stars; one submission).

Allele frequency attached by ClinVar (database versions not stated): gnomAD exomes below 0.00001; ExAC 0.00002.
gnomAD v4.1: 7 of 1,612,926 alleles (0.00043%); highest among the groups gnomAD compares: African/African-American, 0.0013%; no homozygotes.

Submission:

Labcorp Genetics (formerly Invitae), Labcorp
Classification: Uncertain significance. Last evaluated: 2023-08-03. Review status: criteria provided, single submitter. Criteria: Invitae Variant Classification Sherloc (09022015). Collection method: clinical testing. Allele origin: germline.
Comment: This sequence change replaces glutamic acid, which is acidic and polar, with lysine, which is basic and polar, at codon 1225 of the BRD4 protein (p.Glu1225Lys). This variant is present in population databases (rs745807590, gnomAD 0.007%). This variant has not been reported in the literature in individuals affected with BRD4-related conditions. Advanced modeling of protein sequence and biophysical properties (such as structural, functional, and spatial information, amino acid conservation, physicochemical variation, residue mobility, and thermodynamic stability) performed at Invitae indicates that this missense variant is not expected to disrupt BRD4 protein function. In summary, the available evidence is currently insufficient to determine the role of this variant in disease. Therefore, it has been classified as a Variant of Uncertain Significance.